The following is an entry in ClinVar:

ClinVar aggregate classification (germline): Uncertain significance (1 of 4 stars; one submission).

Allele frequency attached by ClinVar (database versions not stated): ExAC 0.00001; gnomAD 0.00001; TOPMed 0.00002.

Submission:

Labcorp Genetics (formerly Invitae), Labcorp
Classification: Uncertain significance. Last evaluated: 2022-01-19. Review status: criteria provided, single submitter. Criteria: Invitae Variant Classification Sherloc (09022015). Collection method: clinical testing. Allele origin: germline.
Comment: In summary, the available evidence is currently insufficient to determine the role of this variant in disease. Therefore, it has been classified as a Variant of Uncertain Significance. Advanced modeling of protein sequence and biophysical properties (such as structural, functional, and spatial information, amino acid conservation, physicochemical variation, residue mobility, and thermodynamic stability) performed at Invitae indicates that this missense variant is not expected to disrupt KCNV2 protein function. This variant has not been reported in the literature in individuals affected with KCNV2-related conditions. This variant is present in population databases (rs776727537, gnomAD 0.007%). This sequence change replaces lysine, which is basic and polar, with glutamine, which is neutral and polar, at codon 68 of the KCNV2 protein (p.Lys68Gln).

NM_133497.4(KCNV2):c.202A>C (p.Lys68Gln)

Gene: KCNV2 (potassium voltage-gated channel modifier subfamily V member 2; plus strand). Cytogenetic location: 9p24.2.
Variant type: single nucleotide variant.
Coding change: c.202A>C on transcript NM_133497.4 (MANE Select); coding-DNA position 202, A replaced by C.
Protein change: p.Lys68Gln; replaces lysine 68 with glutamine.
Molecular consequence: missense variant.
Genome position (GRCh38, 1-based): chr9:2,717,941, A>C. VCF-style: chr9-2717941-A-C. GRCh37 (hg19) VCF-style: chr9-2717941-A-C.
Other names: short protein forms K68Q.
Identifiers: ClinVar variation 1938119 (VCV001938119.5), dbSNP rs776727537, ClinGen allele CA4965366.